The following is an entry in ClinVar:

ClinVar aggregate classification (germline): Conflicting classifications of pathogenicity. Review status: criteria provided, conflicting classifications (1 of 4 stars). 2 submissions from 2 submitters: Pathogenic (1); Uncertain significance (1). Last evaluated 2026-01-29.

Conditions:
Smith-Lemli-Opitz syndrome (SLOS). Also called: LETHAL ACRODYSGENITAL SYNDROME; POLYDACTYLY, SEX REVERSAL, RENAL HYPOPLASIA, AND UNILOBAR LUNG; RSH SYNDROME; RUTLEDGE LETHAL MULTIPLE CONGENITAL ANOMALY SYNDROME; 7-Dehydrocholesterol reductase deficiency. Identifiers: Orphanet 818, MedGen C0175694, MONDO:0010035, OMIM 270400.

Submissions (2):

Myriad Genetics, Inc.
Classification: Uncertain significance for Smith-Lemli-Opitz syndrome. Last evaluated: 2026-01-29. Review status: criteria provided, single submitter. Criteria: Myriad Autosomal Dominant, Autosomal Recessive and X-Linked Classification Criteria (2023). Collection method: clinical testing. Allele origin: unknown.
Comment: NM_001360.2(DHCR7):c.1404C>G(Y468*) is a nonsense variant classified as a variant of uncertain significance in the context of Smith-Lemli-Opitz syndrome. Y468* has not been observed in cases with relevant disease. Relevant functional assessments of this variant are not available in the literature. Y468* has not been observed in referenced population frequency databases. In summary, there is insufficient evidence to classify NM_001360.2(DHCR7):c.1404C>G(Y468*) as pathogenic or benign. Please note: this variant was assessed in the context of healthy population screening.

Labcorp Genetics (formerly Invitae), Labcorp
Classification: Pathogenic for Smith-Lemli-Opitz syndrome. Last evaluated: 2022-05-27. Review status: criteria provided, single submitter. Criteria: Invitae Variant Classification Sherloc (09022015). Collection method: clinical testing. Allele origin: germline.
Comment: This variant has not been reported in the literature in individuals affected with DHCR7-related conditions. This variant is not present in population databases (gnomAD no frequency). This sequence change creates a premature translational stop signal (p.Tyr468*) in the DHCR7 gene. While this is not anticipated to result in nonsense mediated decay, it is expected to disrupt the last 8 amino acid(s) of the DHCR7 protein. For these reasons, this variant has been classified as Pathogenic. This variant disrupts a region of the DHCR7 protein in which other variant(s) (p.Phe475Ser) have been determined to be pathogenic (PMID: 15776424). This suggests that this is a clinically significant region of the protein, and that variants that disrupt it are likely to be disease-causing.

Literature cited by the submitters: PubMed 15776424 (cited by Labcorp Genetics (formerly Invitae), Labcorp).

NM_001360.3(DHCR7):c.1404C>G (p.Tyr468Ter)

Gene: DHCR7 (7-dehydrocholesterol reductase; minus strand). Cytogenetic location: 11q13.4.
Variant type: single nucleotide variant.
Coding change: c.1404C>G on transcript NM_001360.3 (MANE Select); coding-DNA position 1404, C replaced by G.
Protein change: p.Tyr468Ter; replaces tyrosine 468 with a stop codon.
Molecular consequence: nonsense.
Genome position (GRCh38, 1-based): chr11:71,435,399, G>C on the plus strand (C>G on the coding strand, the complement: DHCR7 is on the minus strand). VCF-style: chr11-71435399-G-C. GRCh37 (hg19) VCF-style: chr11-71146445-G-C.
Other names: c.1404C>G, p.Tyr468Ter (NM_001163817.2); short protein forms Y468*.
Identifiers: ClinVar variation 1999612 (VCV001999612.5), dbSNP rs1949262812, ClinGen allele CA381700465.